The following is an entry in ClinVar:

ClinVar aggregate classification (germline): Uncertain significance (1 of 4 stars; one submission).

Allele frequency attached by ClinVar (database versions not stated): gnomAD exomes 0.00001 and 0.00002; gnomAD 0.00002 and 0.00003; TOPMed 0.00004; ExAC 0.00005.
gnomAD v4.1: 13 of 1,612,052 alleles (0.00081%); highest among the groups gnomAD compares: East Asian, 0.0022%; no homozygotes.

Submission:

Labcorp Genetics (formerly Invitae), Labcorp
Classification: Uncertain significance. Last evaluated: 2022-04-13. Review status: criteria provided, single submitter. Criteria: Invitae Variant Classification Sherloc (09022015). Collection method: clinical testing. Allele origin: germline.
Comment: This sequence change replaces arginine, which is basic and polar, with glutamine, which is neutral and polar, at codon 147 of the CEP250 protein (p.Arg147Gln). This variant is present in population databases (rs772076350, gnomAD 0.004%). This variant has not been reported in the literature in individuals affected with CEP250-related conditions. Algorithms developed to predict the effect of missense changes on protein structure and function output the following: SIFT: "Not Available"; PolyPhen-2: "Benign"; Align-GVGD: "Not Available". The glutamine amino acid residue is found in multiple mammalian species, which suggests that this missense change does not adversely affect protein function. In summary, the available evidence is currently insufficient to determine the role of this variant in disease. Therefore, it has been classified as a Variant of Uncertain Significance.

NM_007186.6(CEP250):c.440G>A (p.Arg147Gln)

Gene: CEP250 (centrosomal protein 250; plus strand). Cytogenetic location: 20q11.22.
Variant type: single nucleotide variant.
Coding change: c.440G>A on transcript NM_007186.6 (MANE Select); coding-DNA position 440, G replaced by A.
Protein change: p.Arg147Gln; replaces arginine 147 with glutamine.
Molecular consequence: missense variant. On other transcripts: 5 prime UTR variant (1).
Genome position (GRCh38, 1-based): chr20:35,466,152, G>A. VCF-style: chr20-35466152-G-A. GRCh37 (hg19) VCF-style: chr20-34053977-G-A.
Other names: c.-1460G>A (NM_001318219.1); short protein forms R147Q.
Identifiers: ClinVar variation 1429600 (VCV001429600.3), dbSNP rs772076350, ClinGen allele CA9832613.